The following is an entry in ClinVar:

NM_014000.3(VCL):c.2339G>A (p.Arg780His)

Gene: VCL (vinculin; plus strand). Cytogenetic location: 10q22.2.
Variant type: single nucleotide variant.
Coding change: c.2339G>A on transcript NM_014000.3 (MANE Select); coding-DNA position 2339, G replaced by A.
Protein change: p.Arg780His; replaces arginine 780 with histidine.
Molecular consequence: missense variant.
Genome position (GRCh38, 1-based): chr10:74,105,258, G>A. VCF-style: chr10-74105258-G-A. GRCh37 (hg19) VCF-style: chr10-75865016-G-A.
Other names: c.2339G>A, p.Arg780His (NM_003373.4); short protein forms R780H.
Identifiers: ClinVar variation 1789817 (VCV001789817.6), dbSNP rs1441017178, ClinGen allele CA377262573.
Genomic context (GRCh38, chr10:74,105,258, plus strand): 5'-CCAACCGGATCCTGCTGGTGGCTAAGAGGGAGGTGGAGAATTCCGAGGATCCCAAGTTCC[G>A]TGAGGCTGTGAAAGCTGCCTCTGATGAATTGAGCAAAACCATCTCCCCGATGGTGATGGA-3'
Protein context (NP_054706.1, residues 770-790): EVENSEDPKF[Arg780His]EAVKAASDEL

ClinVar aggregate classification (germline): Uncertain significance. Review status: criteria provided, multiple submitters, no conflicts (2 of 4 stars). 2 submissions from 2 submitters: Uncertain significance (2). Last evaluated 2025-10-22.

Conditions:
Cardiovascular phenotype. Identifiers: MedGen CN230736.
Dilated cardiomyopathy 1W (CMD1W). Identifiers: Orphanet 154, MedGen C1969639, MONDO:0012667, OMIM 611407.

gnomAD v4.1: 3 of 1,614,052 alleles (0.00019%); highest among the groups gnomAD compares: Admixed American, 0.0017%; no homozygotes.

Submissions (2):

Labcorp Genetics (formerly Invitae), Labcorp
Classification: Uncertain significance for Dilated cardiomyopathy 1W. Last evaluated: 2025-10-22. Review status: criteria provided, single submitter. Criteria: Invitae Variant Classification Sherloc (09022015). Collection method: clinical testing. Allele origin: germline.
Comment: This sequence change replaces arginine, which is basic and polar, with histidine, which is basic and polar, at codon 780 of the VCL protein (p.Arg780His). This variant is present in population databases (no rsID available, gnomAD 0.007%). This variant has not been reported in the literature in individuals affected with VCL-related conditions. ClinVar contains an entry for this variant (Variation ID: 1789817). An algorithm developed to predict the effect of missense changes on protein structure and function (PolyPhen-2) suggests that this variant is likely to be disruptive. In summary, the available evidence is currently insufficient to determine the role of this variant in disease. Therefore, it has been classified as a Variant of Uncertain Significance.

Ambry Genetics
Classification: Uncertain significance for Cardiovascular phenotype. Last evaluated: 2020-07-30. Review status: criteria provided, single submitter. Criteria: Ambry Variant Classification Scheme 2023. Collection method: clinical testing. Allele origin: germline.
Comment: The p.R780H variant (also known as c.2339G>A), located in coding exon 16 of the VCL gene, results from a G to A substitution at nucleotide position 2339. The arginine at codon 780 is replaced by histidine, an amino acid with highly similar properties. This amino acid position is highly conserved in available vertebrate species. In addition, the in silico prediction for this alteration is inconclusive. Since supporting evidence is limited at this time, the clinical significance of this alteration remains unclear.